The following is an entry in ClinVar:

ClinVar aggregate classification (germline): Uncertain significance. Review status: criteria provided, multiple submitters, no conflicts (2 of 4 stars). 2 submissions from 2 submitters: Uncertain significance (2). Last evaluated 2025-12-23.

Conditions:
Hereditary cancer-predisposing syndrome. Also called: Neoplastic Syndromes, Hereditary; Tumor predisposition; Hereditary neoplastic syndrome; Hereditary Cancer Syndrome. Identifiers: Orphanet 140162, MedGen C0027672, MeSH D009386, MONDO:0015356.
Familial cancer of breast. Also called: BREAST CANCER, FAMILIAL; Hereditary breast cancer; hereditary breast carcinoma. Identifiers: Orphanet 227535, MedGen C0346153, MONDO:0016419, OMIM 114480. Disease mechanism: loss of function.

Submissions (2):

Labcorp Genetics (formerly Invitae), Labcorp
Classification: Uncertain significance for Familial cancer of breast. Last evaluated: 2025-12-23. Review status: criteria provided, single submitter. Criteria: Invitae Variant Classification Sherloc (09022015). Collection method: clinical testing. Allele origin: germline.
Comment: This variant, c.664_666del, results in the deletion of 1 amino acid(s) of the PALB2 protein (p.Leu222del), but otherwise preserves the integrity of the reading frame. This variant is not present in population databases (gnomAD no frequency). This variant has not been reported in the literature in individuals affected with PALB2-related conditions. ClinVar contains an entry for this variant (Variation ID: 826526). Experimental studies and prediction algorithms are not available or were not evaluated, and the functional significance of this variant is currently unknown. In summary, the available evidence is currently insufficient to determine the role of this variant in disease. Therefore, it has been classified as a Variant of Uncertain Significance.

Ambry Genetics
Classification: Uncertain significance for Hereditary cancer-predisposing syndrome. Last evaluated: 2019-03-05. Review status: criteria provided, single submitter. Criteria: Ambry Variant Classification Scheme 2023. Collection method: clinical testing. Allele origin: germline.
Comment: The c.664_666delTTA variant (also known as p.L222del) is located in coding exon 4 of the PALB2 gene. This variant results from an in-frame TTA deletion at nucleotide positions 664 to 666. This results in the in-frame deletion of a leucine at codon 222. This amino acid position is not well conserved in available vertebrate species. Since supporting evidence is limited at this time, the clinical significance of this alteration remains unclear.

NM_024675.4(PALB2):c.664_666del (p.Leu222del)

Gene: PALB2 (partner and localizer of BRCA2; minus strand). Cytogenetic location: 16p12.2.
Variant type: Deletion.
Coding change: c.664_666del on transcript NM_024675.4 (MANE Select); coding-DNA positions 664 to 666, 3 bases deleted (TTA; older notation c.664_666delTTA).
Protein change: p.Leu222del; deletes leucine 222.
Molecular consequence: inframe deletion.
Genome position (GRCh38, 1-based): chr16:23,635,880-23,635,882, TAA deleted on the plus strand (TTA on the coding strand, the reverse complement: PALB2 is on the minus strand); deleting any 3 consecutive bases within chr16:23,635,880-23,635,884 gives the same sequence; the c. name uses the placement nearest the transcript's 3' end. VCF-style (leftmost placement, unchanged base first): chr16-23635879-TTAA-T. GRCh37 (hg19) VCF-style: chr16-23647200-TTAA-T.
Other names: short protein forms L222del.
Identifiers: ClinVar variation 826526 (VCV000826526.10), dbSNP rs1400223274, ClinGen allele CA719217183.
Genomic context (GRCh38, chr16:23,635,879, plus strand): 5'-TGAAATTAGGTCTTCTTAGGAATGTATCAACACCTTTTTCTGGTTGGGCAGTTGGTGGAA[TTAA>T]TACACTGTCTTCATTAATTTCTGTAACTGGTTCTGGAGAATCTGGAAGTTCAGATTTAAG-3'